The following is an entry in ClinVar:

NM_016562.4(TLR7):c.274G>A (p.Val92Ile)

Gene: TLR7 (toll like receptor 7; plus strand). Cytogenetic location: Xp22.2.
Variant type: single nucleotide variant.
Coding change: c.274G>A on transcript NM_016562.4 (MANE Select); coding-DNA position 274, G replaced by A.
Protein change: p.Val92Ile; replaces valine 92 with isoleucine.
Molecular consequence: missense variant.
Genome position (GRCh38, 1-based): chrX:12,885,782, G>A. VCF-style: chrX-12885782-G-A. GRCh37 (hg19) VCF-style: chrX-12903901-G-A.
Other names: short protein forms V92I.
Identifiers: ClinVar variation 2369466 (VCV002369466.7), dbSNP rs201304033, ClinGen allele CA10349913.
Genomic context (GRCh38, chrX:12,885,782, plus strand): 5'-CTCACCATTAACCACATACCAGACATCTCCCCAGCGTCCTTTCACAGACTGGACCATCTG[G>A]TAGAGATCGATTTCAGATGCAACTGTGTACCTATTCCACTGGGGTCAAAAAACAACATGT-3'
Protein context (NP_057646.1, residues 82-102): PASFHRLDHL[Val92Ile]EIDFRCNCVP

ClinVar aggregate classification (germline): Conflicting classifications of pathogenicity. Review status: criteria provided, conflicting classifications (1 of 4 stars). 3 submissions from 3 submitters: Uncertain significance (1); Benign (1). 1 of the submissions does not count toward it. Last evaluated 2025-11-10.

Conditions:
TLR7-related disorder. Also called: TLR7-related condition.

Allele frequency attached by ClinVar (database versions not stated): ExAC 0.00021; TOPMed 0.00009; gnomAD 0.00009; gnomAD exomes 0.00007; ESP Exome Variant Server 0.00028.
gnomAD v4.1: 88 of 1,210,292 alleles (0.0073%); highest among the groups gnomAD compares: Non-Finnish European, 0.0011%; no homozygotes.

Submissions (3):

Labcorp Genetics (formerly Invitae), Labcorp
Classification: Benign. Last evaluated: 2025-11-10. Review status: criteria provided, single submitter. Criteria: Invitae Variant Classification Sherloc (09022015). Collection method: clinical testing. Allele origin: germline.

Ambry Genetics
Classification: Uncertain significance. Last evaluated: 2022-04-25. Review status: criteria provided, single submitter. Criteria: Ambry Variant Classification Scheme 2023. Collection method: clinical testing. Allele origin: germline.

PreventionGenetics, part of Exact Sciences
Classification: Likely benign for TLR7-related condition. Last evaluated: 2022-02-17. Review status: no assertion criteria provided. Collection method: clinical testing. Allele origin: germline. Not counted in ClinVar's aggregate classification.
Comment: This variant is classified as likely benign based on ACMG/AMP sequence variant interpretation guidelines (Richards et al. 2015 PMID: 25741868, with internal and published modifications).